The following is an entry in ClinVar:

NM_006904.7(PRKDC):c.1581C>T (p.Tyr527=)

Gene: PRKDC (protein kinase, DNA-activated, catalytic subunit; minus strand). Cytogenetic location: 8q11.21.
Variant type: single nucleotide variant.
Coding change: c.1581C>T on transcript NM_006904.7 (MANE Select); coding-DNA position 1581, C replaced by T.
Protein change: p.Tyr527=; no amino-acid change (tyrosine 527 retained).
Molecular consequence: synonymous variant.
Genome position (GRCh38, 1-based): chr8:47,934,007, G>A on the plus strand (C>T on the coding strand, the complement: PRKDC is on the minus strand). VCF-style: chr8-47934007-G-A. GRCh37 (hg19) VCF-style: chr8-48846567-G-A.
Other names: c.1581C>T, p.Tyr527= (NM_001081640.2).
Identifiers: ClinVar variation 797310 (VCV000797310.15), dbSNP rs551598588, ClinGen allele CA4741694.

ClinVar aggregate classification (germline): Likely benign. Review status: criteria provided, multiple submitters, no conflicts (2 of 4 stars). 4 submissions from 4 submitters: Likely benign (3). 1 of the submissions does not count toward it. Last evaluated 2026-05-01.

Conditions:
Severe combined immunodeficiency due to DNA-PKcs deficiency. Also called: IMMUNODEFICIENCY 26 WITH NEUROLOGIC ABNORMALITIES; Immunodeficiency 26 with or without neurologic abnormalities. Identifiers: Orphanet 317425, MedGen C4014833, MONDO:0014423, OMIM 615966.
PRKDC-related disorder. Also called: PRKDC-related condition.

Allele frequency attached by ClinVar (database versions not stated): gnomAD exomes 0.00002 and 0.00008; gnomAD 0.00004 and 0.00005; TOPMed 0.00005; ExAC 0.00011; 1000 Genomes Project 30x 0.00016; 1000 Genomes Project 0.00020.
gnomAD v4.1: 44 of 1,613,400 alleles (0.0027%); highest among the groups gnomAD compares: East Asian, 0.047%; no homozygotes.

Submissions (4):

CeGaT Center for Human Genetics Tuebingen
Classification: Likely benign. Last evaluated: 2026-05-01. Review status: criteria provided, single submitter. Criteria: CeGaT Center For Human Genetics Tuebingen Variant Classification Criteria Version 2. Collection method: clinical testing. Allele origin: germline. Affected: yes. Observed: 1 variant allele.
Comment: PRKDC: BP4, BP7

Labcorp Genetics (formerly Invitae), Labcorp
Classification: Likely benign for Severe combined immunodeficiency due to DNA-PKcs deficiency. Last evaluated: 2025-09-01. Review status: criteria provided, single submitter. Criteria: Invitae Variant Classification Sherloc (09022015). Collection method: clinical testing. Allele origin: germline.

Ambry Genetics
Classification: Likely benign. Last evaluated: 2022-03-07. Review status: criteria provided, single submitter. Criteria: Ambry Variant Classification Scheme 2023. Collection method: clinical testing. Allele origin: germline.

PreventionGenetics, part of Exact Sciences
Classification: Likely benign for PRKDC-related condition. Last evaluated: 2019-02-26. Review status: no assertion criteria provided. Collection method: clinical testing. Allele origin: germline. Not counted in ClinVar's aggregate classification.
Comment: This variant is classified as likely benign based on ACMG/AMP sequence variant interpretation guidelines (Richards et al. 2015 PMID: 25741868, with internal and published modifications).